The following is an entry in ClinVar:

NM_000283.4(PDE6B):c.797C>T (p.Ala266Val)

Genes: PDE6B (phosphodiesterase 6B; plus strand), PDE6B-AS1 (PDE6B antisense RNA 1; minus strand). Cytogenetic location: 4p16.3.
Variant type: single nucleotide variant.
Coding change: c.797C>T on transcript NM_000283.4 (MANE Select); coding-DNA position 797, C replaced by T.
Protein change: p.Ala266Val; replaces alanine 266 with valine.
Molecular consequence: missense variant. On other transcripts: 5 prime UTR variant (5).
Genome position (GRCh38, 1-based): chr4:653,937, C>T. VCF-style: chr4-653937-C-T. GRCh37 (hg19) VCF-style: chr4-647726-C-T.
Other names: c.797C>T, p.Ala266Val (NM_001145291.2); c.-41C>T (NM_001145292.2, NM_001350154.3, NM_001379246.1 and 1 more transcripts); c.-244C>T (NM_001350155.3); short protein forms A266V.
Identifiers: ClinVar variation 1715679 (VCV001715679.7), dbSNP rs2095144336, ClinGen allele CA355910826.

ClinVar aggregate classification (germline): Uncertain significance. Review status: criteria provided, multiple submitters, no conflicts (2 of 4 stars). 2 submissions from 2 submitters: Uncertain significance (2). Last evaluated 2022-10-21.

Allele frequency attached by ClinVar (database versions not stated): TOPMed below 0.00001.

Submissions (2):

Labcorp Genetics (formerly Invitae), Labcorp
Classification: Uncertain significance. Last evaluated: 2022-10-21. Review status: criteria provided, single submitter. Criteria: Invitae Variant Classification Sherloc (09022015). Collection method: clinical testing. Allele origin: germline.
Comment: This sequence change replaces alanine, which is neutral and non-polar, with valine, which is neutral and non-polar, at codon 266 of the PDE6B protein (p.Ala266Val). This variant is not present in population databases (gnomAD no frequency). This variant has not been reported in the literature in individuals affected with PDE6B-related conditions. Advanced modeling of protein sequence and biophysical properties (such as structural, functional, and spatial information, amino acid conservation, physicochemical variation, residue mobility, and thermodynamic stability) performed at Invitae indicates that this missense variant is not expected to disrupt PDE6B protein function. In summary, the available evidence is currently insufficient to determine the role of this variant in disease. Therefore, it has been classified as a Variant of Uncertain Significance.

Blueprint Genetics
Classification: Uncertain significance. Last evaluated: 2022-09-14. Review status: criteria provided, single submitter. Criteria: ACMG Guidelines, 2015. Collection method: clinical testing. Allele origin: germline.